The following is an entry in ClinVar:

NM_003321.5(TUFM):c.1021C>G (p.Leu341Val)

Genes: MIR4721 (microRNA 4721; minus strand), TUFM (Tu translation elongation factor, mitochondrial; minus strand). Cytogenetic location: 16p11.2.
Variant type: single nucleotide variant.
Coding change: c.1021C>G on transcript NM_003321.5 (MANE Select); coding-DNA position 1021, C replaced by G.
Protein change: p.Leu341Val; replaces leucine 341 with valine.
Molecular consequence: missense variant. On other transcripts: non-coding transcript variant (1).
Genome position (GRCh38, 1-based): chr16:28,844,003, G>C on the plus strand (C>G on the coding strand, the complement: TUFM is on the minus strand). VCF-style: chr16-28844003-G-C. GRCh37 (hg19) VCF-style: chr16-28855324-G-C.
Other names: c.937C>G, p.Leu313Val (NM_001365360.2); short protein forms L341V, L313V.
Identifiers: ClinVar variation 1357339 (VCV001357339.3), dbSNP rs1961865858, ClinGen allele CA395414418.
Genomic context (GRCh38, chr16:28,844,003, plus strand): 5'-CCCTCACCTGGGCCTCCACCTTCTGGTGGGGCTTGATGGAACCTGGCTTGACCATGACCA[G>C]GCCCCGCCGCAAGTCCTCCCGCTTCAAGCCTCGGACCAGGGCCCCGAGGTTATCTCCGGC-3'
Protein context (NP_003312.3, residues 331-351): GLKREDLRRG[Leu341Val]VMVKPGSIKP

ClinVar aggregate classification (germline): Uncertain significance (1 of 4 stars; one submission).

Allele frequency attached by ClinVar (database versions not stated): gnomAD exomes below 0.00001; gnomAD 0.00001; TOPMed 0.00002.
gnomAD v4.1: 2 of 1,614,060 alleles (0.00012%); highest among the groups gnomAD compares: Admixed American, 0.0033%; no homozygotes.

Submission:

Labcorp Genetics (formerly Invitae), Labcorp
Classification: Uncertain significance. Last evaluated: 2022-02-02. Review status: criteria provided, single submitter. Criteria: Invitae Variant Classification Sherloc (09022015). Collection method: clinical testing. Allele origin: germline.
Comment: This sequence change replaces leucine, which is neutral and non-polar, with valine, which is neutral and non-polar, at codon 341 of the TUFM protein (p.Leu341Val). This variant is not present in population databases (gnomAD no frequency). This variant has not been reported in the literature in individuals affected with TUFM-related conditions. Algorithms developed to predict the effect of missense changes on protein structure and function (SIFT, PolyPhen-2, Align-GVGD) all suggest that this variant is likely to be tolerated. In summary, the available evidence is currently insufficient to determine the role of this variant in disease. Therefore, it has been classified as a Variant of Uncertain Significance.